The following is an entry in ClinVar:

NM_001330078.2(NRXN1):c.2979A>G (p.Ile993Met)

Gene: NRXN1 (neurexin 1; minus strand). Cytogenetic location: 2p16.3.
Variant type: single nucleotide variant.
Coding change: c.2979A>G on transcript NM_001330078.2 (MANE Select); coding-DNA position 2979, A replaced by G.
Protein change: p.Ile993Met; replaces isoleucine 993 with methionine.
Molecular consequence: missense variant.
Genome position (GRCh38, 1-based): chr2:50,495,996, T>C on the plus strand (A>G on the coding strand, the complement: NRXN1 is on the minus strand). VCF-style: chr2-50495996-T-C. GRCh37 (hg19) VCF-style: chr2-50723134-T-C.
Other names: p.I1033M:ATA>ATG; c.2868A>G, p.Ile956Met (NM_001330087.2, NM_001330096.2); c.2898A>G, p.Ile966Met (NM_001330088.2); c.2976A>G, p.Ile992Met (NM_001330093.2); c.2967A>G, p.Ile989Met (NM_001330094.2); c.2928A>G, p.Ile976Met (NM_001330095.2); c.2979A>G, p.Ile993Met (NM_004801.6, NM_001330086.2); c.3099A>G, p.Ile1033Met (NM_001135659.3); and 3 more; short protein forms I1033M, I971M, I989M, I992M, I956M, I966M, I993M, I985M.
Identifiers: ClinVar variation 206254 (VCV000206254.5), dbSNP rs796052782, ClinGen allele CA316155.

ClinVar aggregate classification (germline): Uncertain significance. Review status: criteria provided, multiple submitters, no conflicts (2 of 4 stars). 2 submissions from 2 submitters: Uncertain significance (2). Last evaluated 2022-11-03.

Conditions:
Pitt-Hopkins-like syndrome 2 (PTHSL2). Identifiers: Orphanet 221150, Orphanet 600663, MedGen C3280479, MONDO:0013690, OMIM 614325.

Allele frequency attached by ClinVar (database versions not stated): gnomAD exomes below 0.00001.

Submissions (2):

Labcorp Genetics (formerly Invitae), Labcorp
Classification: Uncertain significance for Pitt-Hopkins-like syndrome 2. Last evaluated: 2022-11-03. Review status: criteria provided, single submitter. Criteria: Invitae Variant Classification Sherloc (09022015). Collection method: clinical testing. Allele origin: germline.
Comment: Algorithms developed to predict the effect of missense changes on protein structure and function are either unavailable or do not agree on the potential impact of this missense change (SIFT: "Deleterious"; PolyPhen-2: "Probably Damaging"; Align-GVGD: "Class C0"). In summary, the available evidence is currently insufficient to determine the role of this variant in disease. Therefore, it has been classified as a Variant of Uncertain Significance. ClinVar contains an entry for this variant (Variation ID: 206254). This variant has not been reported in the literature in individuals affected with NRXN1-related conditions. This variant is present in population databases (rs796052782, gnomAD 0.0009%). This sequence change replaces isoleucine, which is neutral and non-polar, with methionine, which is neutral and non-polar, at codon 1033 of the NRXN1 protein (p.Ile1033Met).

GeneDx
Classification: Uncertain significance. Last evaluated: 2013-03-25. Review status: criteria provided, single submitter. Criteria: GeneDx Variant Classification (06012015). Collection method: clinical testing. Allele origin: germline. Affected: yes.
Comment: The Ile1033Met missense change has not been published as a mutation, nor has it been reported as a benign polymorphism to our knowledge. It was not observed in approximately 6,300 individuals of European and African American ancestry in the NHLBI Exome Sequencing Project or among the various ethnic groups studied in the 1000 Genomes Project, indicating it is not a common benign variant in these populations. The amino acid substitution is conservative as both Isoleucine and Methionine are uncharged, non-polar amino acid residues. However, Ile1033Met alters a highly conserved position in one of the laminin G-like domains in the Neurexin-1 protein and multiple in-silico algorithms predict it may be damaging to the structure/function of the protein. Therefore, based on the currently available information, it is unclear whether Ile1033Met is a disease-causing mutation or a rare benign variant. The variant is found in EPILEPSY panel(s).